The following is an entry in ClinVar:

NM_004787.4(SLIT2):c.2797T>C (p.Cys933Arg)

Gene: SLIT2 (slit guidance ligand 2; plus strand). Cytogenetic location: 4p15.31.
Variant type: single nucleotide variant.
Coding change: c.2797T>C on transcript NM_004787.4 (MANE Select); coding-DNA position 2797, T replaced by C.
Protein change: p.Cys933Arg; replaces cysteine 933 with arginine.
Molecular consequence: missense variant.
Genome position (GRCh38, 1-based): chr4:20,567,333, T>C. VCF-style: chr4-20567333-T-C. GRCh37 (hg19) VCF-style: chr4-20568956-T-C.
Other names: c.2785T>C, p.Cys929Arg (NM_001289135.3); c.2773T>C, p.Cys925Arg (NM_001289136.3); short protein forms C929R, C933R, C925R.
Identifiers: ClinVar variation 4767933 (VCV004767933.1).

ClinVar aggregate classification (germline): Uncertain significance (1 of 4 stars; one submission).

gnomAD v4.1: 1 of 1,613,056 alleles (0.000062%); highest among the groups gnomAD compares: Admixed American, 0.0017%; no homozygotes.

Submission:

Labcorp Genetics (formerly Invitae), Labcorp
Classification: Uncertain significance. Last evaluated: 2025-12-10. Review status: criteria provided, single submitter. Criteria: Invitae Variant Classification Sherloc (09022015). Collection method: clinical testing. Allele origin: germline.
Comment: This sequence change replaces cysteine, which is neutral and slightly polar, with arginine, which is basic and polar, at codon 933 of the SLIT2 protein (p.Cys933Arg). This variant is not present in population databases (gnomAD no frequency). This variant has not been reported in the literature in individuals affected with SLIT2-related conditions. An algorithm developed to predict the effect of missense changes on protein structure and function (PolyPhen-2) suggests that this variant is likely to be disruptive. In summary, the available evidence is currently insufficient to determine the role of this variant in disease. Therefore, it has been classified as a Variant of Uncertain Significance.